The following is an entry in ClinVar:

GRCh38/hg38 Xq28(chrX:154791149-154931411)x2

Genes: F8 (coagulation factor VIII; minus strand), F8A1 (coagulation factor VIII associated 1; plus strand), H2AB1 (H2A.B variant histone 1; plus strand), MIR1184-1 (microRNA 1184-1; minus strand), MPP1 (MAGUK p55 scaffold protein 1; minus strand) and 5 more. Cytogenetic location: Xq28.
Variant type: copy number gain.
Change: copy number 2 of chrX:154,791,149-154,931,411 (140.3 kb, GRCh38 coordinates, 1-based), cytogenetic band Xq28.
Identifiers: ClinVar variation 57377 (VCV000057377.1).

ClinVar aggregate classification (germline): Uncertain significance (1 of 4 stars; one submission).

Submission:

ISCA site 4
Classification: Uncertain significance. Last evaluated: 2011-08-12. Review status: criteria provided, single submitter. Criteria: Kaminsky et al. (Genet Med. 2011). Collection method: clinical testing. Allele origin: unknown. Affected: yes. Observed: 1 variant allele.
Comment: Copy number variation identified through the course of routine clinical cytogenomic testing in postnatal populations. Clinical assertions have been curated as described in Kaminsky et al. 2011.